The following is an entry in ClinVar:

ClinVar aggregate classification (germline): Uncertain significance (1 of 4 stars; one submission).

Conditions:
Brachyolmia-amelogenesis imperfecta syndrome. Also called: PLATYSPONDYLY WITH AMELOGENESIS IMPERFECTA; Tooth agenesis, selective, 6; Dental anomalies and short stature. Identifiers: Orphanet 2899, MedGen C1832594, MONDO:0011018, OMIM 601216. Disease mechanism: loss of function.

Submission:

Labcorp Genetics (formerly Invitae), Labcorp
Classification: Uncertain significance for Brachyolmia-amelogenesis imperfecta syndrome. Last evaluated: 2024-07-24. Review status: criteria provided, single submitter. Criteria: Invitae Variant Classification Sherloc (09022015). Collection method: clinical testing. Allele origin: germline.
Comment: This sequence change replaces glycine, which is neutral and non-polar, with arginine, which is basic and polar, at codon 780 of the LTBP3 protein (p.Gly780Arg). This variant is not present in population databases (gnomAD no frequency). This variant has not been reported in the literature in individuals affected with LTBP3-related conditions. An algorithm developed to predict the effect of missense changes on protein structure and function (PolyPhen-2) suggests that this variant is likely to be disruptive. In summary, the available evidence is currently insufficient to determine the role of this variant in disease. Therefore, it has been classified as a Variant of Uncertain Significance.

NM_001130144.3(LTBP3):c.2338G>C (p.Gly780Arg)

Genes: LTBP3 (latent transforming growth factor beta binding protein 3; minus strand), LOC130006029 (ATAC-STARR-seq lymphoblastoid silent region 3532; plus strand). Cytogenetic location: 11q13.1.
Variant type: single nucleotide variant.
Coding change: c.2338G>C on transcript NM_001130144.3 (MANE Select); coding-DNA position 2338, G replaced by C.
Protein change: p.Gly780Arg; replaces glycine 780 with arginine.
Molecular consequence: missense variant.
Genome position (GRCh38, 1-based): chr11:65,546,457, C>G on the plus strand (G>C on the coding strand, the complement: LTBP3 is on the minus strand). VCF-style: chr11-65546457-C-G. GRCh37 (hg19) VCF-style: chr11-65313928-C-G.
Other names: c.1987G>C, p.Gly663Arg (NM_001164266.1); c.2338G>C, p.Gly780Arg (NM_021070.4); short protein forms G663R, G780R.
Identifiers: ClinVar variation 3660529 (VCV003660529.2).